The following is an entry in ClinVar:

ClinVar aggregate classification (germline): Uncertain significance (1 of 4 stars; one submission).

Submission:

Labcorp Genetics (formerly Invitae), Labcorp
Classification: Uncertain significance. Last evaluated: 2022-03-18. Review status: criteria provided, single submitter. Criteria: Invitae Variant Classification Sherloc (09022015). Collection method: clinical testing. Allele origin: germline.
Comment: This sequence change creates a premature translational stop signal (p.Lys146Asnfs*10) in the KLF10 gene. It is expected to result in an absent or disrupted protein product. However, the current clinical and genetic evidence is not sufficient to establish whether loss-of-function variants in KLF10 cause disease. This variant is not present in population databases (gnomAD no frequency). This variant has not been reported in the literature in individuals affected with KLF10-related conditions. In summary, the available evidence is currently insufficient to determine the role of this variant in disease. Therefore, it has been classified as a Variant of Uncertain Significance.

NM_005655.4(KLF10):c.438del (p.Lys146fs)

Gene: KLF10 (KLF transcription factor 10; minus strand). Cytogenetic location: 8q22.3.
Variant type: Deletion.
Coding change: c.438del on transcript NM_005655.4 (MANE Select); coding-DNA position 438, one base deleted (A; older notation c.438delA).
Protein change: p.Lys146fs; shifts the reading frame from lysine 146.
Molecular consequence: frameshift variant.
Genome position (GRCh38, 1-based): chr8:102,651,894, T deleted on the plus strand (A on the coding strand, the reverse complement: KLF10 is on the minus strand); the first of 3 consecutive T bases (chr8:102,651,894-102,651,896); deleting any one gives the same sequence. VCF-style (leftmost placement, unchanged base first): chr8-102651893-GT-G. GRCh37 (hg19) VCF-style: chr8-103664121-GT-G.
Other names: c.405del, p.Lys135fs (NM_001032282.4); short protein forms K135fs, K146fs.
Identifiers: ClinVar variation 2113675 (VCV002113675.4), dbSNP rs2537071712, ClinGen allele CA2580078507.